The following is an entry in ClinVar:

NM_138413.4(HOGA1):c.568C>G (p.Pro190Ala)

Gene: HOGA1 (4-hydroxy-2-oxoglutarate aldolase 1; plus strand). Cytogenetic location: 10q24.2.
Variant type: single nucleotide variant.
Coding change: c.568C>G on transcript NM_138413.4 (MANE Select); coding-DNA position 568, C replaced by G.
Protein change: p.Pro190Ala; replaces proline 190 with alanine.
Molecular consequence: missense variant. On other transcripts: intron variant (1).
Genome position (GRCh38, 1-based): chr10:97,599,779, C>G. VCF-style: chr10-97599779-C-G. GRCh37 (hg19) VCF-style: chr10-99359536-C-G.
Other names: c.212-2078C>G (NM_001134670.2); short protein forms P190A.
Identifiers: ClinVar variation 1066173 (VCV001066173.9), dbSNP rs2135722254, ClinGen allele CA377979135.

ClinVar aggregate classification (germline): Likely pathogenic (1 of 4 stars; one submission).

Submission:

Labcorp Genetics (formerly Invitae), Labcorp
Classification: Likely pathogenic. Last evaluated: 2023-09-21. Review status: criteria provided, single submitter. Criteria: Invitae Variant Classification Sherloc (09022015). Collection method: clinical testing. Allele origin: germline.
Comment: Advanced modeling of protein sequence and biophysical properties (such as structural, functional, and spatial information, amino acid conservation, physicochemical variation, residue mobility, and thermodynamic stability) performed at Invitae indicates that this missense variant is expected to disrupt HOGA1 protein function. ClinVar contains an entry for this variant (Variation ID: 1066173). This variant has not been reported in the literature in individuals affected with HOGA1-related conditions. This variant is not present in population databases (gnomAD no frequency). This sequence change replaces proline, which is neutral and non-polar, with alanine, which is neutral and non-polar, at codon 190 of the HOGA1 protein (p.Pro190Ala). This variant disrupts the p.Pro190 amino acid residue in HOGA1. Other variant(s) that disrupt this residue have been determined to be pathogenic (PMID: 21896830, 22781098, 27561601). This suggests that this residue is clinically significant, and that variants that disrupt this residue are likely to be disease-causing. In summary, the currently available evidence indicates that the variant is pathogenic, but additional data are needed to prove that conclusively. Therefore, this variant has been classified as Likely Pathogenic.

Literature cited by the submitters: PubMed 21896830; PubMed 22781098; PubMed 27561601.